The following is an entry in ClinVar:

ClinVar aggregate classification (germline): Uncertain significance (1 of 4 stars; one submission).

Submission:

GeneDx
Classification: Uncertain significance. Last evaluated: 2024-08-20. Review status: criteria provided, single submitter. Criteria: GeneDx Variant Classification Process June 2021. Collection method: clinical testing. Allele origin: germline. Affected: yes.
Comment: Not observed at significant frequency in large population cohorts (gnomAD); In silico analysis supports that this missense variant has a deleterious effect on protein structure/function; Has not been previously published as pathogenic or benign to our knowledge

NM_006015.6(ARID1A):c.3403C>T (p.Pro1135Ser)

Gene: ARID1A (AT-rich interaction domain 1A; plus strand). Cytogenetic location: 1p36.11.
Variant type: single nucleotide variant.
Coding change: c.3403C>T on transcript NM_006015.6 (MANE Select); coding-DNA position 3403, C replaced by T.
Protein change: p.Pro1135Ser; replaces proline 1135 with serine.
Molecular consequence: missense variant.
Genome position (GRCh38, 1-based): chr1:26,771,323, C>T. VCF-style: chr1-26771323-C-T. GRCh37 (hg19) VCF-style: chr1-27097814-C-T.
Other names: c.3403C>T, p.Pro1135Ser (NM_139135.4); short protein forms P1135S.
Identifiers: ClinVar variation 3764370 (VCV003764370.1).